The following is an entry in ClinVar:

ClinVar aggregate classification (germline): Uncertain significance (1 of 4 stars; one submission).

Allele frequency attached by ClinVar (database versions not stated): gnomAD 0.00001.
gnomAD v4.1: 2 of 1,614,104 alleles (0.00012%); highest among the groups gnomAD compares: Middle Eastern, 0.016%; no homozygotes.

Submission:

Labcorp Genetics (formerly Invitae), Labcorp
Classification: Uncertain significance. Last evaluated: 2021-10-20. Review status: criteria provided, single submitter. Criteria: Invitae Variant Classification Sherloc (09022015). Collection method: clinical testing. Allele origin: germline.
Comment: This sequence change replaces threonine with asparagine at codon 1825 of the CCDC88A protein (p.Thr1825Asn). The threonine residue is weakly conserved and there is a small physicochemical difference between threonine and asparagine. This variant is not present in population databases (ExAC no frequency). This variant has not been reported in the literature in individuals affected with CCDC88A-related conditions. Algorithms developed to predict the effect of missense changes on protein structure and function are either unavailable or do not agree on the potential impact of this missense change (SIFT: "Deleterious"; PolyPhen-2: "Benign"; Align-GVGD: "Class C0"). In summary, the available evidence is currently insufficient to determine the role of this variant in disease. Therefore, it has been classified as a Variant of Uncertain Significance.

NM_001365480.1(CCDC88A):c.5477C>A (p.Thr1826Asn)

Gene: CCDC88A (coiled-coil domain containing 88A; minus strand). Cytogenetic location: 2p16.1.
Variant type: single nucleotide variant.
Coding change: c.5477C>A on transcript NM_001365480.1 (MANE Select); coding-DNA position 5477, C replaced by A.
Protein change: p.Thr1826Asn; replaces threonine 1826 with asparagine.
Molecular consequence: missense variant.
Genome position (GRCh38, 1-based): chr2:55,295,671, G>T on the plus strand (C>A on the coding strand, the complement: CCDC88A is on the minus strand). VCF-style: chr2-55295671-G-T. GRCh37 (hg19) VCF-style: chr2-55522807-G-T.
Other names: c.5474C>A, p.Thr1825Asn (NM_001135597.2); c.5252C>A, p.Thr1751Asn (NM_001254943.2); c.5393C>A, p.Thr1798Asn (NM_018084.5); short protein forms T1826N, T1751N, T1798N, T1825N.
Identifiers: ClinVar variation 1484722 (VCV001484722.3), dbSNP rs1679949384, ClinGen allele CA346911405.